The following is an entry in ClinVar:

NM_000080.4(CHRNE):c.1327-2A>G

Gene: CHRNE (cholinergic receptor nicotinic epsilon subunit; minus strand). Cytogenetic location: 17p13.2.
Variant type: single nucleotide variant.
Coding change: c.1327-2A>G on transcript NM_000080.4 (MANE Select); the canonical splice acceptor site of the intron before coding-DNA position 1327, A replaced by G.
Molecular consequence: splice acceptor variant.
Genome position (GRCh38, 1-based): chr17:4,898,893, T>C on the plus strand (A>G on the coding strand, the complement: CHRNE is on the minus strand). VCF-style: chr17-4898893-T-C. GRCh37 (hg19) VCF-style: chr17-4802188-T-C.
Identifiers: ClinVar variation 4855384 (VCV004855384.1).

ClinVar aggregate classification (germline): Likely pathogenic (1 of 4 stars; one submission).

Conditions:
CHRNE-related disorder. Also called: CHRNE-related condition.

gnomAD v4.1: 1 of 1,576,366 alleles (0.000063%); highest among the groups gnomAD compares: Non-Finnish European, 0.000086%; no homozygotes.

Submission:

3billion
Classification: Likely pathogenic for CHRNE-related disorder. Last evaluated: 2025-10-28. Review status: criteria provided, single submitter. Criteria: ACMG Guidelines, 2015. Collection method: clinical testing. Allele origin: germline. Affected: yes.
Comment: The variant is observed at an extremely low frequency in the gnomAD v4.1.0 dataset (total allele frequency: <0.001%). Predicted Consequence/Location: Canonical splice site: predicted to alter splicing and result in a loss or disruption of normal protein function. The predicted truncated protein may be shortened by more than 10%. In silico tools predict the variant to alter splicing and produce an abnormal transcript [SpliceAI: 0.90 (spliceogenicity >=0.2, non-spliceogenicity <0.1)]. Therefore, this variant is classified as Likely pathogenic according to the recommendation of ACMG/AMP guideline.